The following is an entry in ClinVar:

NM_001002295.2(GATA3):c.229C>T (p.Pro77Ser)

Genes: GATA3 (GATA binding protein 3; plus strand), LOC130003278 (ATAC-STARR-seq lymphoblastoid silent region 2118; plus strand). Cytogenetic location: 10p14.
Variant type: single nucleotide variant.
Coding change: c.229C>T on transcript NM_001002295.2 (MANE Select); coding-DNA position 229, C replaced by T.
Protein change: p.Pro77Ser; replaces proline 77 with serine.
Molecular consequence: missense variant.
Genome position (GRCh38, 1-based): chr10:8,055,884, C>T. VCF-style: chr10-8055884-C-T. GRCh37 (hg19) VCF-style: chr10-8097847-C-T.
Other names: c.229C>T, p.Pro77Ser (NM_001441115.1, NM_001441116.1, NM_001441117.1 and 18 more transcripts); short protein forms P77S.
Identifiers: ClinVar variation 4707219 (VCV004707219.1).
Genomic context (GRCh38, chr10:8,055,884, plus strand): 5'-GGCAACCACGTCCCGCCCTACTACGGAAACTCGGTCAGGGCCACGGTGCAGAGGTACCCT[C>T]CGACCCACCACGGTGAGTGCGCCCGGGGTGCCGGGGCTCCCGCCGGCCGCTTCAGCCGTC-3'
Protein context (NP_001002295.1, residues 67-87): SVRATVQRYP[Pro77Ser]THHGSQVCRP

ClinVar aggregate classification (germline): Uncertain significance (1 of 4 stars; one submission).

gnomAD v4.1: 7 of 1,561,582 alleles (0.00045%); highest among the groups gnomAD compares: Admixed American, 0.0057%; no homozygotes.

Submission:

Labcorp Genetics (formerly Invitae), Labcorp
Classification: Uncertain significance. Last evaluated: 2025-07-15. Review status: criteria provided, single submitter. Criteria: Invitae Variant Classification Sherloc (09022015). Collection method: clinical testing. Allele origin: germline.
Comment: This sequence change replaces proline, which is neutral and non-polar, with serine, which is neutral and polar, at codon 77 of the GATA3 protein (p.Pro77Ser). The frequency data for this variant in the population databases is considered unreliable, as metrics indicate poor data quality at this position in the gnomAD database. This variant has not been reported in the literature in individuals affected with GATA3-related conditions. Invitae Evidence Modeling of protein sequence and biophysical properties (such as structural, functional, and spatial information, amino acid conservation, physicochemical variation, residue mobility, and thermodynamic stability) indicates that this missense variant is not expected to disrupt GATA3 protein function with a negative predictive value of 80%. In summary, the available evidence is currently insufficient to determine the role of this variant in disease. Therefore, it has been classified as a Variant of Uncertain Significance.